The following is an entry in ClinVar:

ClinVar aggregate classification (germline): Benign. Review status: criteria provided, multiple submitters, no conflicts (2 of 4 stars). 3 submissions from 3 submitters: Benign (3). Last evaluated 2024-07-15.

Allele frequency attached by ClinVar (database versions not stated): 1000 Genomes Project 30x 0.27717; 1000 Genomes Project 0.27895; TOPMed 0.28904.
gnomAD v4.1: 333,964 of 1,002,046 alleles (33%); highest among the groups gnomAD compares: South Asian, 42%; 58,402 homozygotes.

Submissions (3):

Unidad de Genómica Garrahan, Hospital de Pediatría Garrahan
Classification: Benign. Last evaluated: 2024-07-15. Review status: criteria provided, single submitter. Criteria: ACMG Guidelines, 2015. Collection method: clinical testing. Allele origin: germline. Affected: no. Observed: 22 variant alleles.
Comment: This variant is classified as Benign based on local population frequency. This variant was detected in 24% of patients studied in a panel designed for Epileptic and Developmental Encephalopathy and Progressive Myoclonus Epilepsy. Number of patients: 22. Only high quality variants are reported.

GeneDx
Classification: Benign. Last evaluated: 2018-07-27. Review status: criteria provided, single submitter. Criteria: GeneDx Variant Classification Process June 2021. Collection method: clinical testing. Allele origin: germline. Affected: yes.

Breakthrough Genomics
Classification: Benign. Review status: criteria provided, single submitter. Criteria: ACMG Guidelines, 2015. Collection method: not provided. Allele origin: germline. Inheritance: Autosomal recessive inheritance. Affected: yes.

NM_003560.4(PLA2G6):c.1348+127C>G

Gene: PLA2G6 (phospholipase A2 group VI; minus strand). Cytogenetic location: 22q13.1.
Variant type: single nucleotide variant.
Coding change: c.1348+127C>G on transcript NM_003560.4 (MANE Select); 127 bases into the intron after coding-DNA position 1348, C replaced by G.
Molecular consequence: intron variant.
Genome position (GRCh38, 1-based): chr22:38,128,142, G>C on the plus strand (C>G on the coding strand, the complement: PLA2G6 is on the minus strand). VCF-style: chr22-38128142-G-C. GRCh37 (hg19) VCF-style: chr22-38524149-G-C.
Other names: c.670+127C>G (NM_001349868.2); c.1186+1312C>G (NM_001349866.2, NM_001199562.3, NM_001349865.2 and 1 more transcripts); c.652+1312C>G (NM_001349869.2); c.814+127C>G (NM_001349867.2); c.1348+127C>G (NM_001349864.2).
Identifiers: ClinVar variation 1253512 (VCV001253512.5), dbSNP rs9622732, ClinGen allele CA14927141.